The following is an entry in ClinVar:

NM_000180.4(GUCY2D):c.1668+4A>G

Gene: GUCY2D (guanylate cyclase 2D, retinal; plus strand). Cytogenetic location: 17p13.1.
Variant type: single nucleotide variant.
Coding change: c.1668+4A>G on transcript NM_000180.4 (MANE Select); 4 bases into the intron after coding-DNA position 1668, A replaced by G.
Molecular consequence: intron variant.
Genome position (GRCh38, 1-based): chr17:8,008,036, A>G. VCF-style: chr17-8008036-A-G. GRCh37 (hg19) VCF-style: chr17-7911354-A-G.
Identifiers: ClinVar variation 4785378 (VCV004785378.1).

ClinVar aggregate classification (germline): Uncertain significance (1 of 4 stars; one submission).

Conditions:
Leber congenital amaurosis 1 (LCA1). Also called: RETINAL BLINDNESS, CONGENITAL; Congenital absence of the rods and cones; Leber's congenital tapetoretinal degeneration; Leber's congenital tapetoretinal dysplasia; AMAUROSIS CONGENITA OF LEBER I. Identifiers: Orphanet 65, MedGen C2931258, MONDO:0008764, OMIM 204000.
Cone-rod dystrophy 6 (CORD6). Also called: RETINAL CONE DYSTROPHY 2; Cone dystrophy progressive. Identifiers: Orphanet 1872, MedGen C1866293, MONDO:0011143, OMIM 601777.

gnomAD v4.1: 5 of 1,575,838 alleles (0.00032%); highest among the groups gnomAD compares: Non-Finnish European, 0.00044%; no homozygotes.

Submission:

Labcorp Genetics (formerly Invitae), Labcorp
Classification: Uncertain significance for Leber congenital amaurosis 1; Cone-rod dystrophy 6. Last evaluated: 2025-09-02. Review status: criteria provided, single submitter. Criteria: Invitae Variant Classification Sherloc (09022015). Collection method: clinical testing. Allele origin: germline.
Comment: This sequence change falls in intron 7 of the GUCY2D gene. It does not directly change the encoded amino acid sequence of the GUCY2D protein. It affects a nucleotide within the consensus splice site. This variant is not present in population databases (gnomAD no frequency). This variant has not been reported in the literature in individuals affected with GUCY2D-related conditions. Variants that disrupt the consensus splice site are a relatively common cause of aberrant splicing (PMID: 17576681, 9536098). Algorithms developed to predict the effect of sequence changes on RNA splicing suggest that this variant may disrupt the consensus splice site. In summary, the available evidence is currently insufficient to determine the role of this variant in disease. Therefore, it has been classified as a Variant of Uncertain Significance.

Literature cited by the submitters: PubMed 17576681; PubMed 9536098.